The following is an entry in ClinVar:

NM_031885.5(BBS2):c.984C>T (p.Leu328=)

Gene: BBS2 (Bardet-Biedl syndrome 2; minus strand). Cytogenetic location: 16q13.
Variant type: single nucleotide variant.
Coding change: c.984C>T on transcript NM_031885.5 (MANE Select); coding-DNA position 984, C replaced by T.
Protein change: p.Leu328=; no amino-acid change (leucine 328 retained).
Molecular consequence: synonymous variant. On other transcripts: non-coding transcript variant (5).
Genome position (GRCh38, 1-based): chr16:56,502,413, G>A on the plus strand (C>T on the coding strand, the complement: BBS2 is on the minus strand). VCF-style: chr16-56502413-G-A. GRCh37 (hg19) VCF-style: chr16-56536325-G-A.
Other names: c.984C>T, p.Leu328= (NM_001377456.1).
Identifiers: ClinVar variation 762787 (VCV000762787.12), dbSNP rs1285508370, ClinGen allele CA495587338.

ClinVar aggregate classification (germline): Likely benign. Review status: criteria provided, single submitter (1 of 4 stars). 3 submissions from 3 submitters: Likely benign (1). 2 of the submissions do not count toward it. Last evaluated 2023-10-24.

Conditions:
Bardet-Biedl syndrome (BBS). Identifiers: Orphanet 110, MedGen C0752166, MONDO:0015229.
Bardet-Biedl syndrome 2 (BBS2). Identifiers: Orphanet 110, MedGen C2936863, MONDO:0014432, OMIM 615981.
BBS2-related disorder. Also called: BBS2-related disorders; BBS2-related condition. Identifiers: MedGen CN239228.

Allele frequency attached by ClinVar (database versions not stated): gnomAD exomes below 0.00001.
gnomAD v4.1: 6 of 1,614,210 alleles (0.00037%); highest among the groups gnomAD compares: Middle Eastern, 0.016%; no homozygotes.

Submissions (3):

Labcorp Genetics (formerly Invitae), Labcorp
Classification: Likely benign for Bardet-Biedl syndrome. Last evaluated: 2023-10-24. Review status: criteria provided, single submitter. Criteria: Invitae Variant Classification Sherloc (09022015). Collection method: clinical testing. Allele origin: germline.

PreventionGenetics, part of Exact Sciences
Classification: Likely benign for BBS2-related condition. Last evaluated: 2022-11-10. Review status: no assertion criteria provided. Collection method: clinical testing. Allele origin: germline. Not counted in ClinVar's aggregate classification.
Comment: This variant is classified as likely benign based on ACMG/AMP sequence variant interpretation guidelines (Richards et al. 2015 PMID: 25741868, with internal and published modifications).

Natera, Inc.
Classification: Likely benign for Bardet-Biedl syndrome type 2. Last evaluated: 2020-09-16. Review status: no assertion criteria provided. Collection method: clinical testing. Allele origin: germline. Not counted in ClinVar's aggregate classification.